The following is an entry in ClinVar:

ClinVar aggregate classification (germline): Uncertain significance. Review status: criteria provided, multiple submitters, no conflicts (2 of 4 stars). 4 submissions from 4 submitters: Uncertain significance (4). Last evaluated 2025-11-24.

Conditions:
Hereditary cancer-predisposing syndrome. Also called: Hereditary neoplastic syndrome; Tumor predisposition; Neoplastic Syndromes, Hereditary; Hereditary Cancer Syndrome. Identifiers: Orphanet 140162, MedGen C0027672, MeSH D009386, MONDO:0015356.
Familial adenomatous polyposis 1 (FAP1). Also called: FAMILIAL ADENOMATOUS POLYPOSIS 1, ATTENUATED; POLYPOSIS, ADENOMATOUS INTESTINAL. Identifiers: MedGen C2713442, MONDO:0021056, OMIM 175100. Disease mechanism: loss of function.

Allele frequency attached by ClinVar (database versions not stated): gnomAD exomes below 0.00001; ExAC 0.00001.
gnomAD v4.1: 3 of 1,610,280 alleles (0.00019%); highest among the groups gnomAD compares: Non-Finnish European, 0.00025%; no homozygotes.

Submissions (4):

Labcorp Genetics (formerly Invitae), Labcorp
Classification: Uncertain significance for Familial adenomatous polyposis 1. Last evaluated: 2025-11-24. Review status: criteria provided, single submitter. Criteria: Invitae Variant Classification Sherloc (09022015). Collection method: clinical testing. Allele origin: germline.
Comment: This sequence change replaces alanine, which is neutral and non-polar, with glycine, which is neutral and non-polar, at codon 465 of the APC protein (p.Ala465Gly). This variant is present in population databases (rs757814834, gnomAD 0.0009%). This variant has not been reported in the literature in individuals affected with APC-related conditions. ClinVar contains an entry for this variant (Variation ID: 421297). Invitae Evidence Modeling of protein sequence and biophysical properties (such as structural, functional, and spatial information, amino acid conservation, physicochemical variation, residue mobility, and thermodynamic stability) indicates that this missense variant is not expected to disrupt APC protein function with a negative predictive value of 95%. In summary, the available evidence is currently insufficient to determine the role of this variant in disease. Therefore, it has been classified as a Variant of Uncertain Significance.

Color Diagnostics, LLC DBA Color Health
Classification: Uncertain significance for Hereditary cancer-predisposing syndrome. Last evaluated: 2023-12-05. Review status: criteria provided, single submitter. Criteria: ACMG Guidelines, 2015. Collection method: clinical testing. Allele origin: germline.
Comment: This missense variant replaces alanine with glycine at codon 465 of the APC protein. Computational prediction suggests that this variant may not impact protein structure and function (internally defined REVEL score threshold <= 0.5, PMID: 27666373). To our knowledge, functional studies have not been reported for this variant. This variant has not been reported in individuals affected with APC-related disorders in the literature. This variant has been identified in 1/250296 chromosomes in the general population by the Genome Aggregation Database (gnomAD). The available evidence is insufficient to determine the role of this variant in disease conclusively. Therefore, this variant is classified as a Variant of Uncertain Significance.

Ambry Genetics
Classification: Uncertain significance for Hereditary cancer-predisposing syndrome. Last evaluated: 2023-06-27. Review status: criteria provided, single submitter. Criteria: Ambry Variant Classification Scheme 2023. Collection method: clinical testing. Allele origin: germline.
Comment: The p.A465G variant (also known as c.1394C>G), located in coding exon 10 of the APC gene, results from a C to G substitution at nucleotide position 1394. The alanine at codon 465 is replaced by glycine, an amino acid with similar properties. This amino acid position is highly conserved in available vertebrate species. In addition, in silico predictors for this gene do not accurately predict pathogenicity. Since supporting evidence is limited at this time, the clinical significance of this alteration remains unclear.

GeneDx
Classification: Uncertain significance. Last evaluated: 2016-07-11. Review status: criteria provided, single submitter. Criteria: GeneDx Variant Classification (06012015). Collection method: clinical testing. Allele origin: germline. Affected: yes.
Comment: This variant is denoted APC c.1394C>G at the cDNA level, p.Ala465Gly (A465G) at the protein level, and results in the change of an Alanine to a Glycine (GCA>GGA). This variant has not, to our knowledge, been published in the literature as pathogenic or benign. APC Ala465Gly was not observed in approximately 6,500 individuals of European and African American ancestry in the NHLBI Exome Sequencing Project, suggesting it is not a common benign variant in these populations. Since Alanine and Glycine share similar properties, this is considered a conservative amino acid substitution. APC Ala465Gly occurs at a position that is conserved across species and is located in the Armadillo Region (Azzopardi 2008). In silico analyses predict that this variant is probably damaging to protein structure and function. Based on currently available evidence, it is unclear whether APC Ala465Gly is a pathogenic or benign variant. We consider it to be a variant of uncertain significance.

NM_000038.6(APC):c.1394C>G (p.Ala465Gly)

Gene: APC (APC regulator of Wnt signaling pathway; plus strand). Cytogenetic location: 5q22.2.
Variant type: single nucleotide variant.
Coding change: c.1394C>G on transcript NM_000038.6 (MANE Select); coding-DNA position 1394, C replaced by G.
Protein change: p.Ala465Gly; replaces alanine 465 with glycine.
Molecular consequence: missense variant.
Genome position (GRCh38, 1-based): chr5:112,821,977, C>G. VCF-style: chr5-112821977-C-G. GRCh37 (hg19) VCF-style: chr5-112157674-C-G.
Other names: c.1394C>G, p.Ala465Gly (NM_001127510.3, NM_001354895.2, NM_001354896.2); c.1340C>G, p.Ala447Gly (NM_001127511.3); c.1424C>G, p.Ala475Gly (NM_001354897.2); c.1319C>G, p.Ala440Gly (NM_001354898.2); c.1310C>G, p.Ala437Gly (NM_001354899.2); c.1217C>G, p.Ala406Gly (NM_001354900.2, NM_001354901.2); c.1121C>G, p.Ala374Gly (NM_001354902.2); c.1091C>G, p.Ala364Gly (NM_001354903.2); and 3 more; short protein forms A447G, A465G, A374G, A305G, A364G, A406G, A182G, A339G.
Identifiers: ClinVar variation 421297 (VCV000421297.20), dbSNP rs757814834, ClinGen allele CA027311.